The following is an entry in ClinVar:

NM_001999.4(FBN2):c.7960+208C>T

Gene: FBN2 (fibrillin 2; minus strand). Cytogenetic location: 5q23.3.
Variant type: single nucleotide variant.
Coding change: c.7960+208C>T on transcript NM_001999.4 (MANE Select); 208 bases into the intron after coding-DNA position 7960, C replaced by T.
Molecular consequence: intron variant.
Genome position (GRCh38, 1-based): chr5:128,271,791, G>A on the plus strand (C>T on the coding strand, the complement: FBN2 is on the minus strand). VCF-style: chr5-128271791-G-A. GRCh37 (hg19) VCF-style: chr5-127607483-G-A.
Identifiers: ClinVar variation 675860 (VCV000675860.1), dbSNP rs73341388, ClinGen allele CA127018189.
Genomic context (GRCh38, chr5:128,271,791, plus strand): 5'-AACTTAAAATTACTTAGCAGATATTTAAAATGAAGTAACCTCTAGTTAAGTTAACTTCCC[G>A]GTACTTAAAAACAAACTTTTTTTTTAATAGATATTTTCAAACATACACACTAGCAGAATG-3'

ClinVar aggregate classification (germline): Likely benign (1 of 4 stars; one submission).

Allele frequency attached by ClinVar (database versions not stated): gnomAD 0.01180 and 0.01276; TOPMed 0.01411; 1000 Genomes Project 0.01418; 1000 Genomes Project 30x 0.01437.
gnomAD v4.1: 1,775 of 152,068 alleles (1.2%); highest among the groups gnomAD compares: African/African-American, 4.1%; 38 homozygotes.

Submission:

GeneDx
Classification: Likely benign. Last evaluated: 2018-06-19. Review status: criteria provided, single submitter. Criteria: GeneDx Variant Classification (06012015). Collection method: clinical testing. Allele origin: germline. Affected: yes.
Comment: This variant is considered likely benign or benign based on one or more of the following criteria: it is a conservative change, it occurs at a poorly conserved position in the protein, it is predicted to be benign by multiple in silico algorithms, and/or has population frequency not consistent with disease.